The following is an entry in ClinVar:

ClinVar aggregate classification (germline): Uncertain significance (1 of 4 stars; one submission).

Conditions:
Hyperkalemic periodic paralysis. Also called: Familial hyperkalemic periodic paralysis; Gamstorp disease. Identifiers: Orphanet 682, MedGen C0238357, MONDO:0008224, OMIM 170500, HP:0007215.

Allele frequency attached by ClinVar (database versions not stated): gnomAD exomes below 0.00001; gnomAD 0.00001; TOPMed 0.00001.
gnomAD v4.1: 3 of 1,613,336 alleles (0.00019%); highest among the groups gnomAD compares: Non-Finnish European, 0.00025%; no homozygotes.

Submission:

Labcorp Genetics (formerly Invitae), Labcorp
Classification: Uncertain significance for Hyperkalemic periodic paralysis. Last evaluated: 2025-04-30. Review status: criteria provided, single submitter. Criteria: Invitae Variant Classification Sherloc (09022015). Collection method: clinical testing. Allele origin: germline.
Comment: This sequence change replaces lysine, which is basic and polar, with asparagine, which is neutral and polar, at codon 543 of the SCN4A protein (p.Lys543Asn). This variant is not present in population databases (gnomAD no frequency). This variant has not been reported in the literature in individuals affected with SCN4A-related conditions. ClinVar contains an entry for this variant (Variation ID: 1444409). Invitae Evidence Modeling of protein sequence and biophysical properties (such as structural, functional, and spatial information, amino acid conservation, physicochemical variation, residue mobility, and thermodynamic stability) indicates that this missense variant is not expected to disrupt SCN4A protein function with a negative predictive value of 95%. In summary, the available evidence is currently insufficient to determine the role of this variant in disease. Therefore, it has been classified as a Variant of Uncertain Significance.

NM_000334.4(SCN4A):c.1629G>T (p.Lys543Asn)

Gene: SCN4A (sodium voltage-gated channel alpha subunit 4; minus strand). Cytogenetic location: 17q23.3.
Variant type: single nucleotide variant.
Coding change: c.1629G>T on transcript NM_000334.4 (MANE Select); coding-DNA position 1629, G replaced by T.
Protein change: p.Lys543Asn; replaces lysine 543 with asparagine.
Molecular consequence: missense variant.
Genome position (GRCh38, 1-based): chr17:63,961,409, C>A on the plus strand (G>T on the coding strand, the complement: SCN4A is on the minus strand). VCF-style: chr17-63961409-C-A. GRCh37 (hg19) VCF-style: chr17-62038769-C-A.
Other names: short protein forms K543N.
Identifiers: ClinVar variation 1444409 (VCV001444409.11), dbSNP rs1197528149, ClinGen allele CA400634030.